The following is an entry in ClinVar:

ClinVar aggregate classification (germline): Conflicting classifications of pathogenicity. Review status: criteria provided, conflicting classifications (1 of 4 stars). 3 submissions from 3 submitters: Uncertain significance (2); Likely benign (1). Last evaluated 2023-10-29.

Conditions:
Inborn genetic diseases. Identifiers: MedGen C0950123, MeSH D030342.
Polycystic kidney disease, adult type (PKD1). Also called: Polycystic Kidney, Autosomal Dominant; POLYCYSTIC KIDNEY DISEASE 1 WITH OR WITHOUT POLYCYSTIC LIVER DISEASE; Polycystic Kidney Disease 1, Autosomal Dominant; Polycystic kidney disease 1; Polycystic kidney disease 1, severe; POLYCYSTIC KIDNEY DISEASE, ADULT, TYPE I. Identifiers: MedGen C3149841, MONDO:0008263, OMIM 173900.

Allele frequency attached by ClinVar (database versions not stated): ExAC 0.00006; 1000 Genomes Project 30x 0.00016; 1000 Genomes Project 0.00020.
gnomAD v4.1: 36 of 1,601,518 alleles (0.0022%); highest among the groups gnomAD compares: East Asian, 0.036%; 2 homozygotes.

Submissions (3):

Ambry Genetics
Classification: Likely benign for Inborn genetic diseases. Last evaluated: 2023-10-29. Review status: criteria provided, single submitter. Criteria: Ambry Variant Classification Scheme 2023. Collection method: clinical testing. Allele origin: germline.

GeneDx
Classification: Uncertain significance. Last evaluated: 2021-01-20. Review status: criteria provided, single submitter. Criteria: GeneDx Variant Classification Process June 2021. Collection method: clinical testing. Allele origin: germline. Affected: yes.
Comment: Identified in multiple individuals with clinical features of ADPKD (Jin et al., 2016; Liang et al., 2019; Kim et al. 2020). Segregation information was available in one individual who inherited this variant from a mother who was reported to be clinically unaffected. This individual also possessed a nonsense variant and another missense variant in PKD1 (Liang et al., 2019); In silico analysis supports that this missense variant has a deleterious effect on protein structure/function; This variant is associated with the following publications: (PMID: 27782177, 31730820, 32816041)

Juno Genomics, Hangzhou Juno Genomics, Inc
Classification: Uncertain significance for Polycystic kidney disease, adult type. Review status: criteria provided, single submitter. Criteria: ACMG Guidelines, 2015. Collection method: clinical testing. Allele origin: germline.
Comment: Absent from controls (or at extremely low frequency if recessive) in Genome Aggregation Database.

Literature cited by the submitters: PubMed 27782177 (cited by Ambry Genetics); PubMed 31730820 (cited by Ambry Genetics); PubMed 32816041 (cited by Ambry Genetics); PubMed 35778421 (cited by Ambry Genetics).

NM_001009944.3(PKD1):c.6868G>T (p.Asp2290Tyr)

Gene: PKD1 (polycystin 1, transient receptor potential channel interacting; minus strand). Cytogenetic location: 16p13.3.
Variant type: single nucleotide variant.
Coding change: c.6868G>T on transcript NM_001009944.3 (MANE Select); coding-DNA position 6868, G replaced by T.
Protein change: p.Asp2290Tyr; replaces aspartic acid 2290 with tyrosine.
Molecular consequence: missense variant.
Genome position (GRCh38, 1-based): chr16:2,108,299, C>A on the plus strand (G>T on the coding strand, the complement: PKD1 is on the minus strand). VCF-style: chr16-2108299-C-A. GRCh37 (hg19) VCF-style: chr16-2158300-C-A.
Other names: c.6868G>T (NM_000296.3); c.6868G>T, p.Asp2290Tyr (NM_000296.4); short protein forms D2290Y.
Identifiers: ClinVar variation 1303485 (VCV001303485.5), dbSNP rs550509675, ClinGen allele CA7831424.
Genomic context (GRCh38, chr16:2,108,299, plus strand): 5'-GCCACGCACTGACCTGTGTCGAAGCCACACAGGCCCAGTGGAAACTGAGCGGCGTCTGGT[C>A]GCCGTCCTCCAGGTTGGGGTCGTAGGACTCGCTCCCATCCAGCACCAGGTCCCGTGTGTC-3'
Protein context (NP_001009944.3, residues 2280-2300): ESYDPNLEDG[Asp2290Tyr]QTPLSFHWAC